The following is an entry in ClinVar:

NM_000179.3(MSH6):c.3799A>G (p.Met1267Val)

Gene: MSH6 (mutS homolog 6; plus strand). Cytogenetic location: 2p16.3.
Variant type: single nucleotide variant.
Coding change: c.3799A>G on transcript NM_000179.3 (MANE Select); coding-DNA position 3799, A replaced by G.
Protein change: p.Met1267Val; replaces methionine 1267 with valine.
Molecular consequence: missense variant.
Genome position (GRCh38, 1-based): chr2:47,806,356, A>G. VCF-style: chr2-47806356-A-G. GRCh37 (hg19) VCF-style: chr2-48033495-A-G.
Other names: c.3409A>G, p.Met1137Val (NM_001281492.2); c.2893A>G, p.Met965Val (NM_001281493.2, NM_001281494.2); short protein forms M1267V, M1137V, M965V.
Identifiers: ClinVar variation 449986 (VCV000449986.8), dbSNP rs1553333177, ClinGen allele CA346761194.
Genomic context (GRCh38, chr2:47,806,356, plus strand): 5'-ACTCACTACCATTCATTAGTAGAAGATTATTCTCAAAATGTTGCTGTGCGCCTAGGACAT[A>G]TGGTATGTGCAAATTGTTTTTTTCCACAAATTCGGTTTTTTGAGAGGGCACTTCTCTTGC-3'
Protein context (NP_000170.1, residues 1257-1277): SQNVAVRLGH[Met1267Val]ACMVENECED

ClinVar aggregate classification (germline): Uncertain significance. Review status: criteria provided, multiple submitters, no conflicts (2 of 4 stars). 3 submissions from 3 submitters: Uncertain significance (3). Last evaluated 2025-03-19.

Conditions:
Hereditary cancer-predisposing syndrome. Also called: Neoplastic Syndromes, Hereditary; Hereditary neoplastic syndrome; Hereditary Cancer Syndrome; Tumor predisposition. Identifiers: Orphanet 140162, MedGen C0027672, MeSH D009386, MONDO:0015356.

Allele frequency attached by ClinVar (database versions not stated): gnomAD exomes below 0.00001; TOPMed below 0.00001.

Submissions (3):

Ambry Genetics
Classification: Uncertain significance for Hereditary cancer-predisposing syndrome. Last evaluated: 2025-03-19. Review status: criteria provided, single submitter. Criteria: Ambry Variant Classification Scheme 2023. Collection method: clinical testing. Allele origin: germline.
Comment: The p.M1267V variant (also known as c.3799A>G), located in coding exon 8 of the MSH6 gene, results from an A to G substitution at nucleotide position 3799. The methionine at codon 1267 is replaced by valine, an amino acid with highly similar properties. This amino acid position is highly conserved in available vertebrate species. In addition, this alteration is predicted to be deleterious by in silico analysis. Based on the available evidence, the clinical significance of this variant remains unclear.

Color Diagnostics, LLC DBA Color Health
Classification: Uncertain significance for Hereditary cancer-predisposing syndrome. Last evaluated: 2021-11-24. Review status: criteria provided, single submitter. Criteria: ACMG Guidelines, 2015. Collection method: clinical testing. Allele origin: germline.
Comment: This missense variant replaces methionine with valine at codon 1267 of the MSH6 protein. Computational prediction suggests that this variant may have deleterious impact on protein structure and function (internally defined REVEL score threshold >= 0.7, PMID: 27666373). To our knowledge, functional studies have not been reported for this variant. This variant has not been reported in individuals affected with hereditary cancer in the literature. This variant has not been identified in the general population by the Genome Aggregation Database (gnomAD). The available evidence is insufficient to determine the role of this variant in disease conclusively. Therefore, this variant is classified as a Variant of Uncertain Significance.

GeneDx
Classification: Uncertain significance. Last evaluated: 2017-05-29. Review status: criteria provided, single submitter. Criteria: GeneDx Variant Classification (06012015). Collection method: clinical testing. Allele origin: germline. Affected: yes.
Comment: This variant is denoted MSH6 c.3799A>G at the cDNA level, p.Met1267Val (M1267V) at the protein level, and results in the change of a Methionine to a Valine (ATG>GTG). This variant has not, to our knowledge, been published in the literature as pathogenic or benign. MSH6 Met1267Val was not observed in large population cohorts (NHLBI Exome Sequencing Project, The 1000 Genomes Consortium 2015, Lek 2016). Since Methionine and Valine share similar properties, this is considered a conservative amino acid substitution. MSH6 Met1267Val occurs at a position that is conserved across species and is located in the ATPase domain (Warren 2007, Kansikas 2011). In silico analyses predict that this variant is probably damaging to protein structure and function. Based on currently available evidence, it is unclear whether MSH6 Met1267Val is a pathogenic or benign variant. We consider it to be a variant of uncertain significance.